The following is an entry in ClinVar:

NM_004444.5(EPHB4):c.2772C>A (p.Tyr924Ter)

Gene: EPHB4 (EPH receptor B4; minus strand). Cytogenetic location: 7q22.1.
Variant type: single nucleotide variant.
Coding change: c.2772C>A on transcript NM_004444.5 (MANE Select); coding-DNA position 2772, C replaced by A.
Protein change: p.Tyr924Ter; replaces tyrosine 924 with a stop codon.
Molecular consequence: nonsense.
Genome position (GRCh38, 1-based): chr7:100,805,228, G>T on the plus strand (C>A on the coding strand, the complement: EPHB4 is on the minus strand). VCF-style: chr7-100805228-G-T. GRCh37 (hg19) VCF-style: chr7-100402850-G-T.
Other names: short protein forms Y924*.
Identifiers: ClinVar variation 1691389 (VCV001691389.4), dbSNP rs764404042, ClinGen allele CA163275835.

ClinVar aggregate classification (germline): Conflicting classifications of pathogenicity. Review status: criteria provided, conflicting classifications (1 of 4 stars). 2 submissions from 2 submitters: Pathogenic (1); Uncertain significance (1). Last evaluated 2026-01-13.

Allele frequency attached by ClinVar (database versions not stated): TOPMed below 0.00001.
gnomAD v4.1: 1 of 1,613,376 alleles (0.000062%); highest among the groups gnomAD compares: Non-Finnish European, 0.000085%; no homozygotes.

Submissions (2):

GeneDx
Classification: Pathogenic. Last evaluated: 2026-01-13. Review status: criteria provided, single submitter. Criteria: GeneDx Variant Classification Process June 2021. Collection method: clinical testing. Allele origin: germline.
Comment: Nonsense variant predicted to result in protein truncation or nonsense mediated decay in a gene for which loss of function is a known mechanism of disease; Not observed at significant frequency in large population cohorts (gnomAD); This variant is associated with the following publications: (PMID: 36710374)

Seattle Children's Hospital Molecular Genetics Laboratory, Seattle Children's Hospital
Classification: Uncertain significance. Last evaluated: 2022-01-28. Review status: criteria provided, single submitter. Criteria: ACMG Guidelines, 2015. Collection method: clinical testing. Allele origin: germline. Affected: yes.
Comment: This variant is absent from the medical literature, patient databases, and the general population (gnomAD v2.1.1). The p.Ile241Val variant is located in the extracellular region of the protein, within the first epidermal growth factor-like domain (amino acids 210-252), which is required for angiopoietin binding (PMID: 12427764). There is a single report of two individuals (PMID: 33248299, individuals 5 and 14) with venous malformations who possessed the same extracellular TEK variant (p.Met247Ile). It is not clear from this study if this variant was inherited from an affected individual or not, and no functional studies were performed.